The following is an entry in ClinVar:

ClinVar aggregate classification (germline): Likely benign. Review status: criteria provided, multiple submitters, no conflicts (2 of 4 stars). 3 submissions from 3 submitters: Likely benign (2). 1 of the submissions does not count toward it. Last evaluated 2024-12-01.

Conditions:
Inborn genetic diseases. Identifiers: MedGen C0950123, MeSH D030342.
SAMD9-related disorder. Also called: SAMD9-related condition.

Allele frequency attached by ClinVar (database versions not stated): gnomAD exomes below 0.00001; TOPMed below 0.00001; gnomAD 0.00001.
gnomAD v4.1: 4 of 1,614,042 alleles (0.00025%); highest among the groups gnomAD compares: Non-Finnish European, 0.00034%; no homozygotes.

Submissions (3):

Ambry Genetics
Classification: Likely benign for Inborn genetic diseases. Last evaluated: 2024-12-01. Review status: criteria provided, single submitter. Criteria: Ambry Variant Classification Scheme 2023. Collection method: clinical testing. Allele origin: germline.

Labcorp Genetics (formerly Invitae), Labcorp
Classification: Likely benign. Last evaluated: 2023-09-21. Review status: criteria provided, single submitter. Criteria: Invitae Variant Classification Sherloc (09022015). Collection method: clinical testing. Allele origin: germline.

PreventionGenetics, part of Exact Sciences
Classification: Likely benign for SAMD9-related condition. Last evaluated: 2022-09-13. Review status: no assertion criteria provided. Collection method: clinical testing. Allele origin: germline. Not counted in ClinVar's aggregate classification.
Comment: This variant is classified as likely benign based on ACMG/AMP sequence variant interpretation guidelines (Richards et al. 2015 PMID: 25741868, with internal and published modifications).

NM_017654.4(SAMD9):c.291A>G (p.Lys97=)

Gene: SAMD9 (sterile alpha motif domain containing 9; minus strand). Cytogenetic location: 7q21.2.
Variant type: single nucleotide variant.
Coding change: c.291A>G on transcript NM_017654.4 (MANE Select); coding-DNA position 291, A replaced by G.
Protein change: p.Lys97=; no amino-acid change (lysine 97 retained).
Molecular consequence: synonymous variant.
Genome position (GRCh38, 1-based): chr7:93,105,807, T>C on the plus strand (A>G on the coding strand, the complement: SAMD9 is on the minus strand). VCF-style: chr7-93105807-T-C. GRCh37 (hg19) VCF-style: chr7-92735120-T-C.
Other names: c.291A>G (NM_017654.3); c.291A>G, p.Lys97= (NM_001193307.2).
Identifiers: ClinVar variation 2909440 (VCV002909440.6), dbSNP rs1429968456, ClinGen allele CA456627468.